The following is an entry in ClinVar:

NM_007357.3(COG2):c.1528C>T (p.Arg510Cys)

Gene: COG2 (component of oligomeric golgi complex 2; plus strand). Cytogenetic location: 1q42.2.
Variant type: single nucleotide variant.
Coding change: c.1528C>T on transcript NM_007357.3 (MANE Select); coding-DNA position 1528, C replaced by T.
Protein change: p.Arg510Cys; replaces arginine 510 with cysteine.
Molecular consequence: missense variant.
Genome position (GRCh38, 1-based): chr1:230,687,082, C>T. VCF-style: chr1-230687082-C-T. GRCh37 (hg19) VCF-style: chr1-230822828-C-T.
Other names: c.1528C>T, p.Arg510Cys (NM_001145036.2); short protein forms R510C.
Identifiers: ClinVar variation 714468 (VCV000714468.23), dbSNP rs142812849, ClinGen allele CA1447789.

ClinVar aggregate classification (germline): Likely benign. Review status: criteria provided, multiple submitters, no conflicts (2 of 4 stars). 2 submissions from 2 submitters: Likely benign (2). Last evaluated 2025-12-01.

Conditions:
Congenital disorder of glycosylation, type IIq. Also called: CDG IIq. Identifiers: Orphanet 435934, MedGen C4479353, MONDO:0054559, OMIM 617395.

Allele frequency attached by ClinVar (database versions not stated): gnomAD exomes 0.00014 and 0.00035; ExAC 0.00042; ESP Exome Variant Server 0.00138; 1000 Genomes Project 0.00140; 1000 Genomes Project 30x 0.00141; gnomAD 0.00158 and 0.00173; TOPMed 0.00186.
gnomAD v4.1: 449 of 1,613,452 alleles (0.028%); highest among the groups gnomAD compares: African/African-American, 0.51%; 1 homozygote.

Submissions (2):

Labcorp Genetics (formerly Invitae), Labcorp
Classification: Likely benign for Congenital disorder of glycosylation, type IIq. Last evaluated: 2025-12-01. Review status: criteria provided, single submitter. Criteria: Invitae Variant Classification Sherloc (09022015). Collection method: clinical testing. Allele origin: germline.

CeGaT Center for Human Genetics Tuebingen
Classification: Likely benign. Last evaluated: 2024-09-01. Review status: criteria provided, single submitter. Criteria: CeGaT Center For Human Genetics Tuebingen Variant Classification Criteria Version 2. Collection method: clinical testing. Allele origin: germline. Affected: yes. Observed: 1 variant allele.
Comment: COG2: BP4